The following is an entry in ClinVar:

ClinVar aggregate classification (germline): Uncertain significance (1 of 4 stars; one submission).

Submission:

Labcorp Genetics (formerly Invitae), Labcorp
Classification: Uncertain significance. Last evaluated: 2021-11-22. Review status: criteria provided, single submitter. Criteria: Invitae Variant Classification Sherloc (09022015). Collection method: clinical testing. Allele origin: germline.
Comment: In summary, the available evidence is currently insufficient to determine the role of this variant in disease. Therefore, it has been classified as a Variant of Uncertain Significance. Algorithms developed to predict the effect of missense changes on protein structure and function are either unavailable or do not agree on the potential impact of this missense change (SIFT: "Not Available"; PolyPhen-2: "Benign"; Align-GVGD: "Not Available"). This variant has not been reported in the literature in individuals affected with POGLUT1-related conditions. This variant is not present in population databases (gnomAD no frequency). This sequence change replaces methionine, which is neutral and non-polar, with threonine, which is neutral and polar, at codon 387 of the POGLUT1 protein (p.Met387Thr).

NM_152305.3(POGLUT1):c.1160T>C (p.Met387Thr)

Gene: POGLUT1 (protein O-glucosyltransferase 1; plus strand). Cytogenetic location: 3q13.33.
Variant type: single nucleotide variant.
Coding change: c.1160T>C on transcript NM_152305.3 (MANE Select); coding-DNA position 1160, T replaced by C.
Protein change: p.Met387Thr; replaces methionine 387 with threonine.
Molecular consequence: missense variant. On other transcripts: non-coding transcript variant (1).
Genome position (GRCh38, 1-based): chr3:119,492,419, T>C. VCF-style: chr3-119492419-T-C. GRCh37 (hg19) VCF-style: chr3-119211266-T-C.
Other names: short protein forms M387T.
Identifiers: ClinVar variation 1394403 (VCV001394403.6), dbSNP rs1577090047, ClinGen allele CA354050110.